The following is an entry in ClinVar:

ClinVar aggregate classification (germline): Uncertain significance (1 of 4 stars; one submission).

Conditions:
Hereditary cancer-predisposing syndrome. Also called: Tumor predisposition; Hereditary neoplastic syndrome; Neoplastic Syndromes, Hereditary; Hereditary Cancer Syndrome. Identifiers: Orphanet 140162, MedGen C0027672, MeSH D009386, MONDO:0015356.

Submission:

Ambry Genetics
Classification: Uncertain significance for Hereditary cancer-predisposing syndrome. Last evaluated: 2025-04-07. Review status: criteria provided, single submitter. Criteria: Ambry Variant Classification Scheme 2023. Collection method: clinical testing. Allele origin: germline.
Comment: The p.S517R variant (also known as c.1551C>G), located in coding exon 6 of the BLM gene, results from a C to G substitution at nucleotide position 1551. The serine at codon 517 is replaced by arginine, an amino acid with dissimilar properties. This amino acid position is conserved. In addition, this alteration is predicted to be tolerated by in silico analysis. Based on the available evidence, the clinical significance of this variant remains unclear.

NM_000057.4(BLM):c.1551C>G (p.Ser517Arg)

Gene: BLM (BLM RecQ like helicase; plus strand). Cytogenetic location: 15q26.1.
Variant type: single nucleotide variant.
Coding change: c.1551C>G on transcript NM_000057.4 (MANE Select); coding-DNA position 1551, C replaced by G.
Protein change: p.Ser517Arg; replaces serine 517 with arginine.
Molecular consequence: missense variant.
Genome position (GRCh38, 1-based): chr15:90,760,924, C>G. VCF-style: chr15-90760924-C-G. GRCh37 (hg19) VCF-style: chr15-91304154-C-G.
Other names: c.1551C>G, p.Ser517Arg (NM_001287246.2, NM_001287247.2); c.426C>G, p.Ser142Arg (NM_001287248.2); short protein forms S517R, S142R.
Identifiers: ClinVar variation 3991637 (VCV003991637.1).